The following is an entry in ClinVar:

ClinVar aggregate classification (germline): Pathogenic (1 of 4 stars; one submission).

Conditions:
Hereditary cancer-predisposing syndrome. Also called: Hereditary Cancer Syndrome; Neoplastic Syndromes, Hereditary; Tumor predisposition; Hereditary neoplastic syndrome. Identifiers: Orphanet 140162, MedGen C0027672, MeSH D009386, MONDO:0015356.

Submission:

Ambry Genetics
Classification: Pathogenic for Hereditary cancer-predisposing syndrome. Last evaluated: 2018-11-12. Review status: criteria provided, single submitter. Criteria: Ambry Variant Classification Scheme 2023. Collection method: clinical testing. Allele origin: germline.
Comment: The c.5115_5116dupCC pathogenic mutation, located in coding exon 39 of the TSC2 gene, results from a duplication of CC at nucleotide position 5115, causing a translational frameshift with a predicted alternate stop codon (p.R1706Pfs*121). This frameshift occurs at the 3' terminus of TSC2, is not expected to trigger nonsense-mediated mRNA decay, and results in the elongation of the protein by 18 amino acids. Based on the available evidence, this alteration is classified as a pathogenic mutation.

NM_000548.5(TSC2):c.5115_5116dup (p.Arg1706fs)

Gene: TSC2 (TSC complex subunit 2; plus strand). Cytogenetic location: 16p13.3.
Variant type: Duplication.
Coding change: c.5115_5116dup on transcript NM_000548.5 (MANE Select); coding-DNA positions 5115 to 5116, 2 bases duplicated (CC; older notation c.5115_5116dupCC).
Protein change: p.Arg1706fs; shifts the reading frame from arginine 1706.
Molecular consequence: frameshift variant.
Genome position (GRCh38, 1-based): chr16:2,088,094-2,088,095, CC duplicated. VCF-style (leftmost placement, unchanged base first): chr16-2088093-A-ACC. GRCh37 (hg19) VCF-style: chr16-2138094-A-ACC.
Other names: c.4914_4915dup, p.Arg1639fs (NM_001077183.3); c.5046_5047dup, p.Arg1683fs (NM_001114382.3); c.4806_4807dup, p.Arg1603fs (NM_001318827.2); c.4770_4771dup, p.Arg1591fs (NM_001318829.2); c.4383_4384dup, p.Arg1462fs (NM_001318831.2); c.4947_4948dup, p.Arg1650fs (NM_001318832.2); c.4917_4918dup, p.Arg1640fs (NM_001363528.2); c.4983_4984dup, p.Arg1662fs (NM_001370404.1); and 27 more; short protein forms R1462fs, R1640fs, R1603fs, R1639fs, R1650fs, R1683fs, R1591fs, R1662fs.
Identifiers: ClinVar variation 1745431 (VCV001745431.2), dbSNP rs137853981, ClinGen allele CA2580091153.